The following is an entry in ClinVar:

ClinVar aggregate classification (germline): Conflicting classifications of pathogenicity. Review status: criteria provided, conflicting classifications (1 of 4 stars). 9 submissions from 9 submitters: Uncertain significance (6); Likely benign (3). Last evaluated 2025-12-18.

Conditions:
Hereditary breast ovarian cancer syndrome. Also called: Hereditary breast and ovarian cancer syndrome; Hereditary breast and ovarian cancer; Hereditary breast and ovarian cancer syndrome (HBOC); Breast and ovarian cancer; Hereditary breast and/or ovarian cancer syndrome; BRCA1- and BRCA2-Associated Hereditary Breast and Ovarian Cancer. Identifiers: Orphanet 145, MedGen C0677776, MeSH D061325, MONDO:0003582. Disease mechanism: loss of function.
BRCA2-related cancer predisposition. Identifiers: MedGen CN377758, MONDO:0700269.
Breast and/or ovarian cancer. Identifiers: MedGen CN221562.
Hereditary cancer-predisposing syndrome. Also called: Neoplastic Syndromes, Hereditary; Tumor predisposition; Hereditary Cancer Syndrome; Hereditary neoplastic syndrome. Identifiers: Orphanet 140162, MedGen C0027672, MeSH D009386, MONDO:0015356.

Allele frequency attached by ClinVar (database versions not stated): gnomAD exomes below 0.00001.
gnomAD v4.1: 4 of 1,613,706 alleles (0.00025%); highest among the groups gnomAD compares: East Asian, 0.0022%; no homozygotes.

Submissions (9):

Women's Health and Genetics/Laboratory Corporation of America, LabCorp
Classification: Uncertain significance. Last evaluated: 2025-12-18. Review status: criteria provided, single submitter. Criteria: LabCorp Variant Classification Summary - May 2015. Collection method: clinical testing. Allele origin: germline.
Comment: Variant summary: BRCA2 c.2396A>G (p.Lys799Arg) results in a conservative amino acid change in the encoded protein sequence. Algorithms developed to predict the effect of missense changes on protein structure and function all suggest that this variant is likely to be tolerated. The variant was absent in 250318 control chromosomes. The available data on variant occurrences in the general population are insufficient to allow any conclusion about variant significance. c.2396A>G has been reported in the literature in individuals affected with Hereditary Breast And Ovarian Cancer Syndrome or pancreatic ductal adenocarcinoma (Takeuchi_2018, Grigore_2024). These data do not allow any conclusion about variant significance. To our knowledge, no experimental evidence demonstrating an impact on protein function has been reported. The following publications have been ascertained in the context of this evaluation (PMID: 38785549, 30287823, 36243179, 29802286). ClinVar contains an entry for this variant (Variation ID: 481510). Based on the evidence outlined above, the variant was classified as uncertain significance.

Labcorp Genetics (formerly Invitae), Labcorp
Classification: Uncertain significance for Hereditary breast ovarian cancer syndrome. Last evaluated: 2025-08-24. Review status: criteria provided, single submitter. Criteria: Invitae Variant Classification Sherloc (09022015). Collection method: clinical testing. Allele origin: germline.
Comment: This sequence change replaces lysine, which is basic and polar, with arginine, which is basic and polar, at codon 799 of the BRCA2 protein (p.Lys799Arg). This variant is not present in population databases (gnomAD no frequency). This missense change has been observed in individual(s) with pancreatic cancer and breast cancer (PMID: 29802286, 30287823, 32980694). ClinVar contains an entry for this variant (Variation ID: 481510). Invitae Evidence Modeling of protein sequence and biophysical properties (such as structural, functional, and spatial information, amino acid conservation, physicochemical variation, residue mobility, and thermodynamic stability) indicates that this missense variant is not expected to disrupt BRCA2 protein function with a negative predictive value of 95%. In summary, the available evidence is currently insufficient to determine the role of this variant in disease. Therefore, it has been classified as a Variant of Uncertain Significance.

Center for Genomic Medicine, Rigshospitalet, Copenhagen University Hospital
Classification: Likely benign. Last evaluated: 2025-03-04. Review status: criteria provided, single submitter. Criteria: ACMG Guidelines, 2015. Collection method: clinical testing. Allele origin: germline.

Department of Pathology and Laboratory Medicine, Sinai Health System
Classification: Likely benign for BRCA2-related cancer predisposition. Last evaluated: 2024-10-22. Review status: criteria provided, single submitter. Criteria: ACMG Guidelines, 2015. Collection method: clinical testing. Allele origin: germline.

Ambry Genetics
Classification: Uncertain significance for Hereditary cancer-predisposing syndrome. Last evaluated: 2024-08-26. Review status: criteria provided, single submitter. Criteria: Ambry Variant Classification Scheme 2023. Collection method: clinical testing. Allele origin: germline.
Comment: The p.K799R variant (also known as c.2396A>G), located in coding exon 10 of the BRCA2 gene, results from an A to G substitution at nucleotide position 2396. The lysine at codon 799 is replaced by arginine, an amino acid with highly similar properties. This alteration has been identified in multiple individuals diagnosed with breast cancer (Momozawa Y et al. Nat Commun, 2018 Oct;9:4083; Abdel-Razeq H et al. Front Oncol, 2022 Mar;12:673094). This amino acid position is not well conserved in available vertebrate species. In addition, this alteration is predicted to be tolerated by in silico analysis. Based on the available evidence, the clinical significance of this variant remains unclear.

Color Diagnostics, LLC DBA Color Health
Classification: Uncertain significance for Hereditary cancer-predisposing syndrome. Last evaluated: 2023-07-11. Review status: criteria provided, single submitter. Criteria: ACMG Guidelines, 2015. Collection method: clinical testing. Allele origin: germline.
Comment: This missense variant replaces lysine with arginine at codon 799 of the BRCA2 protein. Computational prediction suggests that this variant may not impact protein structure and function (internally defined REVEL score threshold <= 0.5, PMID: 27666373). To our knowledge, functional studies have not been reported for this variant. This variant has been reported in individuals affected with pancreatic cancer (PMID: 29802286) and breast cancer (Paladini 2016, dissertation, University of Milan). This variant has been reported in pancreatic cancer and breast cancer case-control studies; reported in 1/1005 pancreatic cancer cases and 1/23705 unaffected controls, and 1/7051 breast cancer cases and 1/11241 unaffected controls (PMID: 30287823, 32980694). This variant has not been identified in the general population by the Genome Aggregation Database (gnomAD). The available evidence is insufficient to determine the role of this variant in disease conclusively. Therefore, this variant is classified as a Variant of Uncertain Significance.

University of Washington Department of Laboratory Medicine, University of Washington
Classification: Likely benign for Hereditary cancer-predisposing syndrome. Last evaluated: 2023-03-23. Review status: criteria provided, single submitter. Criteria: Dines et al. (Genet Med. 2020). Collection method: curation. Allele origin: germline.
Comment: Missense variant in a coldspot region where missense variants are very unlikely to be pathogenic (PMID:31911673).

BRCA2 exon 11 coldspot. Reclassification based on statistical prior probability.

Quest Diagnostics Nichols Institute San Juan Capistrano
Classification: Uncertain significance. Last evaluated: 2022-03-17. Review status: criteria provided, single submitter. Criteria: Quest Diagnostics criteria. Collection method: clinical testing. Allele origin: unknown.

CHEO Genetics Diagnostic Laboratory, Children's Hospital of Eastern Ontario
Classification: Uncertain significance for Breast and/or ovarian cancer. Last evaluated: 2017-01-12. Review status: criteria provided, single submitter. Criteria: ACMG Guidelines, 2015. Collection method: clinical testing. Allele origin: germline. Study: Canadian Open Genetics Repository.

Literature cited by the submitters: PubMed 29802286 (cited by 5 submitters); PubMed 30287823 (cited by 6 submitters); PubMed 36243179 (cited by Women's Health and Genetics/Laboratory Corporation of America, LabCorp); PubMed 38785549 (cited by Women's Health and Genetics/Laboratory Corporation of America, LabCorp); PubMed 32980694 (cited by 3 submitters); PubMed 35402282 (cited by Ambry Genetics); PubMed 33376937 (cited by Quest Diagnostics Nichols Institute San Juan Capistrano).

NM_000059.4(BRCA2):c.2396A>G (p.Lys799Arg)

Gene: BRCA2 (BRCA2 DNA repair associated; plus strand). Cytogenetic location: 13q13.1.
Variant type: single nucleotide variant.
Coding change: c.2396A>G on transcript NM_000059.4 (MANE Select); coding-DNA position 2396, A replaced by G.
Protein change: p.Lys799Arg; replaces lysine 799 with arginine.
Molecular consequence: missense variant.
Genome position (GRCh38, 1-based): chr13:32,336,751, A>G. VCF-style: chr13-32336751-A-G. GRCh37 (hg19) VCF-style: chr13-32910888-A-G.
Other names: short protein forms K799R.
Identifiers: ClinVar variation 481510 (VCV000481510.26), dbSNP rs1555282656, ClinGen allele CA387771943.